The following is an entry in ClinVar:

ClinVar aggregate classification (germline): Uncertain significance. Review status: criteria provided, multiple submitters, no conflicts (2 of 4 stars). 2 submissions from 2 submitters: Uncertain significance (2). Last evaluated 2026-04-08.

Conditions:
Arrhythmogenic right ventricular cardiomyopathy (ARVD). Also called: Arrhythmogenic cardiomyopathy; Arrhythmogenic Right Ventricular Cardiomyopathy (ARVC); Cardiomyopathy, ARVC; Arrhythmogenic right ventricular dysplasia. Identifiers: Orphanet 247, MedGen C0349788, MeSH D019571, MONDO:0016587. Disease mechanism: loss of function. Inheritance: Various modes of inheritance.

Allele frequency attached by ClinVar (database versions not stated): gnomAD 0.00001; gnomAD exomes below 0.00001; TOPMed below 0.00001.
gnomAD v4.1: 3 of 1,613,700 alleles (0.00019%); highest among the groups gnomAD compares: Admixed American, 0.005%; no homozygotes.

Submissions (2):

Dasa
Classification: Uncertain significance. Last evaluated: 2026-04-08. Review status: criteria provided, single submitter. Criteria: DASA Assertion Criteria. Collection method: clinical testing. Allele origin: germline.
Comment: NM_001005242.3(PKP2):c.1484C>T (p.Pro495Leu) is a missense variant that results in the substitution of proline with leucine. This variant is rare in population databases. The currently available literature and clinical evidence are not sufficient to establish a definitive association between this variant and the reported condition. Therefore, this variant is classified as a variant of uncertain significance.

All of Us Research Program, National Institutes of Health
Classification: Uncertain significance for Arrhythmogenic right ventricular cardiomyopathy. Last evaluated: 2023-08-15. Review status: criteria provided, single submitter. Criteria: ACMG Guidelines, 2015. Collection method: clinical testing. Allele origin: germline. Inheritance: Autosomal dominant inheritance. Observed: 1 variant allele, 1 heterozygote.
Comment: This missense variant replaces proline with leucine at codon 539 of the PKP2 protein. Computational prediction suggests that this variant may not impact protein structure and function (internally defined REVEL score threshold <= 0.5, PMID: 27666373). To our knowledge, functional studies have not been reported for this variant. This variant has not been reported in individuals affected with PKP2-related disorders in the literature. This variant has been identified in 3/251374 chromosomes in the general population by the Genome Aggregation Database (gnomAD). The available evidence is insufficient to determine the role of this variant in disease conclusively. Therefore, this variant is classified as a Variant of Uncertain Significance.

This study involves interpretation of variants in research participants for the purpose of population health screening. Participant phenotype was not available at the time of variant classification. Additional details can be found in publication PMID: 35346344, PMCID: PMC8962531

NM_001005242.3(PKP2):c.1484C>T (p.Pro495Leu)

Gene: PKP2 (plakophilin 2; minus strand). Cytogenetic location: 12p11.21.
Variant type: single nucleotide variant.
Coding change: c.1484C>T on transcript NM_001005242.3 (MANE Select); coding-DNA position 1484, C replaced by T.
Protein change: p.Pro495Leu; replaces proline 495 with leucine.
Molecular consequence: missense variant.
Genome position (GRCh38, 1-based): chr12:32,841,100, G>A on the plus strand (C>T on the coding strand, the complement: PKP2 is on the minus strand). VCF-style: chr12-32841100-G-A. GRCh37 (hg19) VCF-style: chr12-32994034-G-A.
Other names: c.1484C>T, p.Pro495Leu (NM_001407155.1, NM_001407156.1, NM_001407161.1); c.1616C>T, p.Pro539Leu (NM_001407157.1, NM_004572.4); c.1157C>T, p.Pro386Leu (NM_001407158.1, NM_001407159.1, NM_001407160.1 and 1 more transcripts); short protein forms P386L, P495L, P539L.
Identifiers: ClinVar variation 3072720 (VCV003072720.3), dbSNP rs1395919753, ClinGen allele CA384367627.